The following is an entry in ClinVar:

ClinVar aggregate classification (germline): Pathogenic. Review status: criteria provided, single submitter (1 of 4 stars). 2 submissions from 2 submitters: Pathogenic (1). 1 of the submissions does not count toward it. Last evaluated 2020-02-07.

Conditions:
Childhood hypophosphatasia. Identifiers: Orphanet 247667, Orphanet 436, MedGen C0220743, MONDO:1010168, OMIM 241510, MONDO:0009428.

Submissions (2):

Labcorp Genetics (formerly Invitae), Labcorp
Classification: Pathogenic. Last evaluated: 2020-02-07. Review status: criteria provided, single submitter. Criteria: Invitae Variant Classification Sherloc (09022015). Collection method: clinical testing. Allele origin: germline.
Comment: For these reasons, this variant has been classified as Pathogenic. Loss-of-function variants in PHEX are known to be pathogenic (PMID: 9097956, 9106524, 19219621). Algorithms developed to predict the effect of sequence changes on RNA splicing suggest that this variant may disrupt the consensus splice site, but this prediction has not been confirmed by published transcriptional studies. This variant has been observed in individual(s) with hypophosphatemia (Invitae). This variant is not present in population databases (ExAC no frequency). This variant is a deletion of the genomic region encompassing part of exon 12 (c.1390_1404+1del) of the PHEX gene. It is expected to disrupt RNA splicing and likely results in an absent or disrupted protein product.

Department of Pediatric Endocrinology, Shriners Hospitals for Children - Mexico City
No classification provided. Condition: Childhood hypophosphatasia. Review status: no classification provided. Collection method: phenotyping only. Allele origin: germline. Inheritance: X-linked dominant inheritance. Affected: yes. Observed: 1 variant allele. Not counted in ClinVar's aggregate classification.

Literature cited by the submitters: PubMed 9097956 (cited by Labcorp Genetics (formerly Invitae), Labcorp); PubMed 9106524 (cited by Labcorp Genetics (formerly Invitae), Labcorp); PubMed 19219621 (cited by Labcorp Genetics (formerly Invitae), Labcorp).

NM_000444.6(PHEX):c.1390_1404+1del

Gene: PHEX (phosphate regulating endopeptidase X-linked; plus strand). Cytogenetic location: Xp22.11.
Variant type: Deletion.
Coding change: c.1390_1404+1del on transcript NM_000444.6 (MANE Select); coding-DNA position 1390 through the canonical splice donor site of the intron after coding-DNA position 1404, 16 bases deleted (AAAGCCAAAGAAAAGG).
Molecular consequence: splice donor variant.
Genome position (GRCh38, 1-based): chrX:22,133,610-22,133,625, AAAGCCAAAGAAAAGG deleted; deleting any 16 consecutive bases within chrX:22,133,603-22,133,625 gives the same sequence; the c. name uses the placement nearest the transcript's 3' end. VCF-style (leftmost placement, unchanged base first): chrX-22133602-CGAAAAGGAAAGCCAAA-C. GRCh37 (hg19) VCF-style: chrX-22151719-CGAAAAGGAAAGCCAAA-C.
Other names: c.1390_1404+1del (NM_001282754.2); c.1389_1404del (NM_000444.6).
Identifiers: ClinVar variation 1074504 (VCV001074504.8), dbSNP rs2147086549, ClinGen allele CA2499226575.